The following is an entry in ClinVar:

ClinVar aggregate classification (germline): Benign/Likely benign. Review status: criteria provided, multiple submitters, no conflicts (2 of 4 stars). 7 submissions from 7 submitters: Benign (1); Likely benign (6). Last evaluated 2025-12-19.

Conditions:
Cardiovascular phenotype. Identifiers: MedGen CN230736.
Danon disease. Also called: Glycogen Storage Disease Type IIb; PSEUDOGLYCOGENOSIS II; GSD IIb; LYSOSOMAL GLYCOGEN STORAGE DISEASE WITHOUT ACID MALTASE DEFICIENCY; ANTOPOL DISEASE. Identifiers: Orphanet 34587, MedGen C0878677, MONDO:0010281, OMIM 300257.

Allele frequency attached by ClinVar (database versions not stated): ExAC 0.00003; TOPMed 0.00003; gnomAD 0.00004 and 0.00005; gnomAD exomes 0.00005; 1000 Genomes Project 30x 0.00021; 1000 Genomes Project 0.00026.

Submissions (7):

Labcorp Genetics (formerly Invitae), Labcorp
Classification: Benign for Danon disease. Last evaluated: 2025-12-19. Review status: criteria provided, single submitter. Criteria: Invitae Variant Classification Sherloc (09022015). Collection method: clinical testing. Allele origin: germline.

Blueprint Genetics
Classification: Likely benign. Last evaluated: 2023-08-15. Review status: criteria provided, single submitter. Criteria: ACMG Guidelines, 2015. Collection method: clinical testing. Allele origin: germline.

CeGaT Center for Human Genetics Tuebingen
Classification: Likely benign. Last evaluated: 2023-06-01. Review status: criteria provided, single submitter. Criteria: CeGaT Center For Human Genetics Tuebingen Variant Classification Criteria Version 2. Collection method: clinical testing. Allele origin: germline. Affected: yes. Observed: 1 variant allele.
Comment: LAMP2: BP4, BS2

Fulgent Genetics
Classification: Likely benign for Danon disease. Last evaluated: 2021-08-17. Review status: criteria provided, single submitter. Criteria: ACMG Guidelines, 2015. Collection method: clinical testing. Allele origin: unknown.

Ambry Genetics
Classification: Likely benign for Cardiovascular phenotype. Last evaluated: 2019-12-18. Review status: criteria provided, single submitter. Criteria: Ambry Variant Classification Scheme 2023. Collection method: clinical testing. Allele origin: germline.

GeneDx
Classification: Likely benign. Last evaluated: 2017-11-14. Review status: criteria provided, single submitter. Criteria: GeneDx Variant Classification (06012015). Collection method: clinical testing. Allele origin: germline. Affected: yes.
Comment: This variant is considered likely benign or benign based on one or more of the following criteria: it is a conservative change, it occurs at a poorly conserved position in the protein, it is predicted to be benign by multiple in silico algorithms, and/or has population frequency not consistent with disease.

Laboratory for Molecular Medicine, Mass General Brigham Personalized Medicine
Classification: Likely benign. Last evaluated: 2012-04-11. Review status: criteria provided, single submitter. Criteria: LMM Criteria. Collection method: clinical testing. Allele origin: germline. Observed: 5 variant alleles.
Comment: Ala100Val in 3 of LAMP2 (allele frequency = n/a)

NM_002294.3(LAMP2):c.299C>T (p.Ala100Val)

Gene: LAMP2 (lysosome associated membrane protein 2; minus strand). Cytogenetic location: Xq24.
Variant type: single nucleotide variant.
Coding change: c.299C>T on transcript NM_002294.3 (MANE Select); coding-DNA position 299, C replaced by T.
Protein change: p.Ala100Val; replaces alanine 100 with valine.
Molecular consequence: missense variant.
Genome position (GRCh38, 1-based): chrX:120,455,455, G>A on the plus strand (C>T on the coding strand, the complement: LAMP2 is on the minus strand). VCF-style: chrX-120455455-G-A. GRCh37 (hg19) VCF-style: chrX-119589310-G-A.
Other names: c.299C>T, p.Ala100Val (NM_001122606.1, NM_013995.2); short protein forms A100V.
Identifiers: ClinVar variation 44424 (VCV000044424.39), dbSNP rs397516741, ClinGen allele CA134096.